The following is an entry in ClinVar:

ClinVar aggregate classification (germline): Uncertain significance (1 of 4 stars; one submission).

Conditions:
TUB-related disorder. Also called: TUB-related condition.

gnomAD v4.1: 5 of 1,613,470 alleles (0.00031%); highest among the groups gnomAD compares: Admixed American, 0.005%; no homozygotes.

Submission:

PreventionGenetics, part of Exact Sciences
Classification: Uncertain significance for TUB-related condition. Last evaluated: 2026-08-08. Review status: criteria provided, single submitter. Criteria: ACMG Guidelines, 2015. Collection method: clinical testing. Allele origin: germline.
Comment: The TUB c.331C>A variant is predicted to result in the amino acid substitution p.Pro111Thr. To our knowledge, this variant has not been reported in the literature. This variant is reported in 0.0058% of alleles in individuals of Latino descent in gnomAD. At this time, the clinical significance of this variant is uncertain due to the absence of conclusive functional and genetic evidence.

NM_177972.3(TUB):c.166C>A (p.Pro56Thr)

Gene: TUB (TUB bipartite transcription factor; plus strand). Cytogenetic location: 11p15.4.
Variant type: single nucleotide variant.
Coding change: c.166C>A on transcript NM_177972.3 (MANE Select); coding-DNA position 166, C replaced by A.
Protein change: p.Pro56Thr; replaces proline 56 with threonine.
Molecular consequence: missense variant.
Genome position (GRCh38, 1-based): chr11:8,090,144, C>A. VCF-style: chr11-8090144-C-A. GRCh37 (hg19) VCF-style: chr11-8111691-C-A.
Other names: c.184C>A, p.Pro62Thr (NM_001440538.1, NM_001440539.1, NM_001440540.1 and 1 more transcripts); c.166C>A, p.Pro56Thr (NM_001440541.1); c.331C>A, p.Pro111Thr (NM_003320.5); short protein forms P56T, P62T, P111T.
Identifiers: ClinVar variation 4985034 (VCV004985034.1).